The following is an entry in ClinVar:

NM_001130987.2(DYSF):c.4941del (p.Lys1648fs)

Gene: DYSF (dysferlin; plus strand). Cytogenetic location: 2p13.2.
Variant type: Deletion.
Coding change: c.4941del on transcript NM_001130987.2 (MANE Select); coding-DNA position 4941, one base deleted (G; older notation c.4941delG).
Protein change: p.Lys1648fs; shifts the reading frame from lysine 1648.
Molecular consequence: frameshift variant.
Genome position (GRCh38, 1-based): chr2:71,660,589, G deleted; the last of 3 consecutive G bases (chr2:71,660,587-71,660,589); deleting any one gives the same sequence. VCF-style (leftmost placement, unchanged base first): chr2-71660586-AG-A. GRCh37 (hg19) VCF-style: chr2-71887716-AG-A.
Other names: c.4878del, p.Lys1627fs (NM_001130985.2); c.4785del, p.Lys1596fs (NM_001130986.2); c.4824del, p.Lys1609fs (NM_003494.4); c.4827del, p.Lys1610fs (NM_001130455.2); c.4782del, p.Lys1595fs (NM_001130976.2); c.4845del, p.Lys1616fs (NM_001130977.2); c.4887del, p.Lys1630fs (NM_001130978.2); c.4917del, p.Lys1640fs (NM_001130979.2); and 5 more; short protein forms K1595fs, K1616fs, K1626fs, K1631fs, K1641fs, K1609fs, K1610fs, K1617fs.
Identifiers: ClinVar variation 369690 (VCV000369690.12), dbSNP rs1057516051, ClinGen allele CA10654748.

ClinVar aggregate classification (germline): Pathogenic. Review status: criteria provided, multiple submitters, no conflicts (2 of 4 stars). 4 submissions from 4 submitters: Pathogenic (2). 2 of the submissions do not count toward it. Last evaluated 2024-03-17.

Conditions:
Neuromuscular disease caused by qualitative or quantitative defects of dysferlin. Also called: Dysferlinopathy; Qualitative or quantitative defects of dysferlin. Identifiers: Orphanet 207073, MedGen C2931687, MONDO:0016145.
Autosomal recessive limb-girdle muscular dystrophy type 2B (LGMDR2). Also called: Limb-girdle muscular dystrophy, type 2B; MUSCULAR DYSTROPHY, LIMB-GIRDLE, AUTOSOMAL RECESSIVE 2; Limb-Girdle Muscular Dystrophy Type 2B (LGMD2B); MUSCULAR DYSTROPHY, LIMB-GIRDLE, TYPE 3. Identifiers: Orphanet 268, MedGen C1850889, MONDO:0009676, OMIM 253601.
Miyoshi muscular dystrophy 1 (MMD1). Identifiers: Orphanet 45448, MedGen C4551973, MONDO:0024545, OMIM 254130.
Proximal muscle weakness. Identifiers: MedGen C0221629, HP:0003701.

Submissions (4):

Baylor Genetics
Classification: Pathogenic for Miyoshi muscular dystrophy 1. Last evaluated: 2024-03-17. Review status: criteria provided, single submitter. Criteria: ACMG Guidelines, 2015. Collection method: clinical testing. Allele origin: unknown.

Labcorp Genetics (formerly Invitae), Labcorp
Classification: Pathogenic for Neuromuscular disease caused by qualitative or quantitative defects of dysferlin. Last evaluated: 2023-11-28. Review status: criteria provided, single submitter. Criteria: Invitae Variant Classification Sherloc (09022015). Collection method: clinical testing. Allele origin: germline.
Comment: This sequence change creates a premature translational stop signal (p.Lys1609Argfs*4) in the DYSF gene. It is expected to result in an absent or disrupted protein product. Loss-of-function variants in DYSF are known to be pathogenic (PMID: 17698709, 20301480). The frequency data for this variant in the population databases is considered unreliable, as metrics indicate poor data quality at this position in the gnomAD database. This premature translational stop signal has been observed in individual(s) with limb-girdle muscular dystrophy (LGMD) (PMID: 29970176). ClinVar contains an entry for this variant (Variation ID: 369690). For these reasons, this variant has been classified as Pathogenic.

Counsyl
Classification: Pathogenic for Autosomal recessive limb-girdle muscular dystrophy type 2B. Last evaluated: 2017-12-22. Review status: no assertion criteria provided. Collection method: clinical testing. Allele origin: unknown. Not counted in ClinVar's aggregate classification.

Institute of Human Genetics, University of Wuerzburg
Classification: Pathogenic for Proximal muscle weakness. Review status: no assertion criteria provided. Collection method: clinical testing. Allele origin: unknown. Not counted in ClinVar's aggregate classification.

Literature cited by the submitters: PubMed 17698709 (cited by Labcorp Genetics (formerly Invitae), Labcorp); PubMed 20301480 (cited by Labcorp Genetics (formerly Invitae), Labcorp); PubMed 29970176 (cited by Labcorp Genetics (formerly Invitae), Labcorp); PubMed 27602406 (cited by Counsyl).